The following is an entry in ClinVar:

NM_001368894.2(PAX6):c.1225G>A (p.Gly409Arg)

Gene: PAX6 (paired box 6; minus strand). Cytogenetic location: 11p13.
Variant type: single nucleotide variant.
Coding change: c.1225G>A on transcript NM_001368894.2 (MANE Select); coding-DNA position 1225, G replaced by A.
Protein change: p.Gly409Arg; replaces glycine 409 with arginine.
Molecular consequence: missense variant. On other transcripts: non-coding transcript variant (1), intron variant (9).
Genome position (GRCh38, 1-based): chr11:31,790,710, C>T on the plus strand (G>A on the coding strand, the complement: PAX6 is on the minus strand). VCF-style: chr11-31790710-C-T. GRCh37 (hg19) VCF-style: chr11-31812258-C-T.
Other names: c.1183G>A, p.Gly395Arg (NM_000280.6, NM_001127612.3, NM_001258464.2 and 6 more transcripts); c.1225G>A, p.Gly409Arg (NM_001258462.3, NM_001258463.2, NM_001310158.2 and 3 more transcripts); c.775G>A, p.Gly259Arg (NM_001310160.2, NM_001310161.3, NM_001368899.2 and 10 more transcripts); c.1426G>A, p.Gly476Arg (NM_001368910.2); c.1024G>A, p.Gly342Arg (NM_001368923.2, NM_001368924.2, NM_001368925.2 and 3 more transcripts); c.1300G>A, p.Gly434Arg (NM_001368918.2, NM_001368919.2); c.1258G>A, p.Gly420Arg (NM_001368920.2); c.982G>A, p.Gly328Arg (NM_001368928.2); and 6 more; short protein forms G395R, G409R, G476R, G259R, G328R, G434R, G420R, G194R.
Identifiers: ClinVar variation 1459449 (VCV001459449.8), dbSNP rs1131692318, ClinGen allele CA379966974.

ClinVar aggregate classification (germline): Pathogenic (1 of 4 stars; one submission).

Conditions:
Aniridia 1 (AN1). Identifiers: Orphanet 250923, MedGen C0344542, MONDO:0024507, OMIM 106210.
Irido-corneo-trabecular dysgenesis (ASGD5). Also called: ANTERIOR SEGMENT DYSGENESIS 5. Identifiers: Orphanet 708, MedGen C0344559, MONDO:0011414, OMIM 604229, HP:0000659.

Submission:

Labcorp Genetics (formerly Invitae), Labcorp
Classification: Pathogenic for Aniridia 1; Irido-corneo-trabecular dysgenesis. Last evaluated: 2021-01-03. Review status: criteria provided, single submitter. Criteria: Invitae Variant Classification Sherloc (09022015). Collection method: clinical testing. Allele origin: germline.
Comment: For these reasons, this variant has been classified as Pathogenic. This variant disrupts the c.1183G nucleotide in the PAX6 gene. Other variant(s) that disrupt this nucleotide have been determined to be pathogenic (PMID: 7666404). This suggests that this nucleotide is clinically significant, and that variants that disrupt this position are likely to be disease-causing. Nucleotide substitutions within the consensus splice site are a relatively common cause of aberrant splicing (PMID: 17576681, 9536098). Algorithms developed to predict the effect of sequence changes on RNA splicing suggest that this variant may disrupt the consensus splice site, but this prediction has not been confirmed by published transcriptional studies. Algorithms developed to predict the effect of missense changes on protein structure and function are either unavailable or do not agree on the potential impact of this missense change (SIFT: "Deleterious"; PolyPhen-2: "Possibly Damaging"; Align-GVGD: "Class C0"). This variant has been observed in individual(s) with aniridia (PMID: 21850189, Invitae). This variant is not present in population databases (ExAC no frequency). This sequence change replaces glycine with arginine at codon 395 of the PAX6 protein (p.Gly395Arg). The glycine residue is highly conserved and there is a moderate physicochemical difference between glycine and arginine. This variant also falls at the last nucleotide of exon 12, which is part of the consensus splice site for this exon.

Literature cited by the submitters: PubMed 7666404; PubMed 17576681; PubMed 9536098; PubMed 21850189.